The following is an entry in ClinVar:

NM_005219.5(DIAPH1):c.68C>T (p.Pro23Leu)

Gene: DIAPH1 (diaphanous related formin 1; minus strand). Cytogenetic location: 5q31.3.
Variant type: single nucleotide variant.
Coding change: c.68C>T on transcript NM_005219.5 (MANE Select); coding-DNA position 68, C replaced by T.
Protein change: p.Pro23Leu; replaces proline 23 with leucine.
Molecular consequence: missense variant.
Genome position (GRCh38, 1-based): chr5:141,618,847, G>A on the plus strand (C>T on the coding strand, the complement: DIAPH1 is on the minus strand). VCF-style: chr5-141618847-G-A. GRCh37 (hg19) VCF-style: chr5-140998414-G-A.
Other names: c.68C>T, p.Pro23Leu (NM_001079812.3, NM_001314007.2); short protein forms P23L.
Identifiers: ClinVar variation 2940751 (VCV002940751.3), dbSNP rs1020818879, ClinGen allele CA128436728.

ClinVar aggregate classification (germline): Uncertain significance (1 of 4 stars; one submission).

Conditions:
Progressive microcephaly-seizures-cortical blindness-developmental delay syndrome. Also called: Seizures, cortical blindness, and microcephaly syndrome. Identifiers: Orphanet 477814, MedGen C5567650, MONDO:0014714, OMIM 616632.
Autosomal dominant nonsyndromic hearing loss 1. Also called: KONIGSMARK SYNDROME; DEAFNESS, AUTOSOMAL DOMINANT 1, WITH OR WITHOUT THROMBOCYTOPENIA. Identifiers: Orphanet 90635, MedGen C1852282, MONDO:0007424, OMIM 124900.

Allele frequency attached by ClinVar (database versions not stated): gnomAD 0.00001; TOPMed 0.00001.
gnomAD v4.1: 3 of 1,543,118 alleles (0.00019%); highest among the groups gnomAD compares: African/African-American, 0.0014%; no homozygotes.

Submission:

Labcorp Genetics (formerly Invitae), Labcorp
Classification: Uncertain significance for Progressive microcephaly-seizures-cortical blindness-developmental delay syndrome; Autosomal dominant nonsyndromic hearing loss 1. Last evaluated: 2024-06-03. Review status: criteria provided, single submitter. Criteria: Invitae Variant Classification Sherloc (09022015). Collection method: clinical testing. Allele origin: germline.
Comment: This sequence change replaces proline, which is neutral and non-polar, with leucine, which is neutral and non-polar, at codon 23 of the DIAPH1 protein (p.Pro23Leu). This variant is not present in population databases (gnomAD no frequency). This variant has not been reported in the literature in individuals affected with DIAPH1-related conditions. Experimental studies and prediction algorithms are not available or were not evaluated, and the functional significance of this variant is currently unknown. In summary, the available evidence is currently insufficient to determine the role of this variant in disease. Therefore, it has been classified as a Variant of Uncertain Significance.